The following is an entry in ClinVar:

ClinVar aggregate classification (germline): Uncertain significance (1 of 4 stars; one submission).

Conditions:
Hereditary cancer-predisposing syndrome. Also called: Tumor predisposition; Hereditary neoplastic syndrome; Hereditary Cancer Syndrome; Neoplastic Syndromes, Hereditary. Identifiers: Orphanet 140162, MedGen C0027672, MeSH D009386, MONDO:0015356.

Submission:

Ambry Genetics
Classification: Uncertain significance for Hereditary cancer-predisposing syndrome. Last evaluated: 2025-04-20. Review status: criteria provided, single submitter. Criteria: Ambry Variant Classification Scheme 2023. Collection method: clinical testing. Allele origin: germline.
Comment: The p.A1462T variant (also known as c.4384G>A), located in coding exon 28 of the ATM gene, results from a G to A substitution at nucleotide position 4384. The alanine at codon 1462 is replaced by threonine, an amino acid with similar properties. This amino acid position is conserved. In addition, the in silico prediction for this alteration is inconclusive. Based on the available evidence, the clinical significance of this variant remains unclear.

NM_000051.4(ATM):c.4384G>A (p.Ala1462Thr)

Gene: ATM (ATM serine/threonine kinase; plus strand). Cytogenetic location: 11q22.3.
Variant type: single nucleotide variant.
Coding change: c.4384G>A on transcript NM_000051.4 (MANE Select); coding-DNA position 4384, G replaced by A.
Protein change: p.Ala1462Thr; replaces alanine 1462 with threonine.
Molecular consequence: missense variant.
Genome position (GRCh38, 1-based): chr11:108,289,749, G>A. VCF-style: chr11-108289749-G-A. GRCh37 (hg19) VCF-style: chr11-108160476-G-A.
Other names: c.4384G>A, p.Ala1462Thr (NM_001351834.2); short protein forms A1462T.
Identifiers: ClinVar variation 3966693 (VCV003966693.1).